The following is an entry in ClinVar:

NM_001267550.2(TTN):c.50296C>T (p.Arg16766Ter)

Genes: TTN (titin; minus strand), TTN-AS1 (TTN antisense RNA 1; plus strand). Cytogenetic location: 2q31.2.
Variant type: single nucleotide variant.
Coding change: c.50296C>T on transcript NM_001267550.2 (MANE Select); coding-DNA position 50296, C replaced by T.
Protein change: p.Arg16766Ter; replaces arginine 16766 with a stop codon.
Molecular consequence: nonsense.
Genome position (GRCh38, 1-based): chr2:178,612,115, G>A on the plus strand (C>T on the coding strand, the complement: TTN is on the minus strand). VCF-style: chr2-178612115-G-A. GRCh37 (hg19) VCF-style: chr2-179476842-G-A.
Other names: c.45373C>T, p.Arg15125Ter (NM_001256850.1); c.23101C>T, p.Arg7701Ter (NM_003319.4); c.42592C>T, p.Arg14198Ter (NM_133378.4); c.23476C>T, p.Arg7826Ter (NM_133432.3); c.23677C>T, p.Arg7893Ter (NM_133437.4); c.50296C>T (NM_001267550.1); short protein forms R15125*, R16766*, R14198*, R7826*, R7701*, R7893*.
Identifiers: ClinVar variation 202379 (VCV000202379.24), dbSNP rs754866489, ClinGen allele CA309244.

ClinVar aggregate classification (germline): Pathogenic/Likely pathogenic. Review status: criteria provided, multiple submitters, no conflicts (2 of 4 stars). 8 submissions from 8 submitters: Pathogenic (6); Likely pathogenic (2). Last evaluated 2026-07-17.

Conditions:
Cardiovascular phenotype. Identifiers: MedGen CN230736.
TTN-related disorder. Also called: TTN-related disorders; TTN-related condition; TTN-related disease.
Dilated cardiomyopathy 1G (CMD1G). Identifiers: Orphanet 154, MedGen C1858763, MONDO:0011400, OMIM 604145.
Autosomal recessive limb-girdle muscular dystrophy type 2J (LGMDR10). Also called: Limb-girdle muscular dystrophy, type 2J; MUSCULAR DYSTROPHY, LIMB-GIRDLE, AUTOSOMAL RECESSIVE 10. Identifiers: Orphanet 140922, MedGen C1837342, MONDO:0012127, OMIM 608807.
Primary dilated cardiomyopathy (DCM). Also called: Dilated Cardiomyopathy. Identifiers: Orphanet 217604, MedGen C0007193, MeSH D002311, MONDO:0005021, HP:0001644. Inheritance: Various modes of inheritance.

Allele frequency attached by ClinVar (database versions not stated): gnomAD exomes below 0.00001; TOPMed below 0.00001; ExAC 0.00001.
gnomAD v4.1: 7 of 1,611,924 alleles (0.00043%); highest among the groups gnomAD compares: Non-Finnish European, 0.00051%; no homozygotes.

Submissions (8):

Ambry Genetics
Classification: Pathogenic for Cardiovascular phenotype. Last evaluated: 2026-07-17. Review status: criteria provided, single submitter. Criteria: Ambry Variant Classification Scheme 2023. Collection method: clinical testing. Allele origin: germline.
Comment: The c.23101C>T (p.R7701*) alteration, located in exon 95 (coding exon 94) of the TTN gene, consists of a C to T substitution at nucleotide position 23101. This changes the amino acid from an arginine (R) to a stop codon at amino acid position 7701. This variant is expected to result in loss of function by premature protein truncation or nonsense-mediated mRNA decay. Based on data from gnomAD, the T allele has an overall frequency of <0.001% (1/246982) total alleles studied. The highest observed frequency was 0.001% (1/111844) of European (non-Finnish) alleles. This variant was reported in individuals with features consistent with dilated cardiomyopathy (DCM) (Hazebroek, 2018; Ambry internal data). This changes the amino acid from an arginine to a stop codon within coding exon 94. This exon is located in the A-band region of the N2-B isoform of the titin protein and is constitutively expressed in TTN transcripts (percent spliced in or PSI 100%). While truncating variants in TTN are present in 1-3% of the general population, truncating variants in the A-band are the most common cause of DCM (Herman, 2012; Roberts, 2015). TTN truncating variants encoded in constitutive exons (PSI >90%) have been found to be significantly associated with DCM regardless of their position in titin (Schafer, 2017, Akhtar, 2020; Massier, 2025). Based on the available evidence, this alteration is classified as pathogenic.

Labcorp Genetics (formerly Invitae), Labcorp
Classification: Pathogenic for Dilated cardiomyopathy 1G; Autosomal recessive limb-girdle muscular dystrophy type 2J. Last evaluated: 2026-01-09. Review status: criteria provided, single submitter. Criteria: Invitae Variant Classification Sherloc (09022015). Collection method: clinical testing. Allele origin: germline.
Comment: This sequence change creates a premature translational stop signal (p.Arg16766*) in the TTN gene. While this is not anticipated to result in nonsense mediated decay, it is expected to create a truncated TTN protein. This variant is present in population databases (rs754866489, gnomAD 0.0009%). This premature translational stop signal has been observed in individuals with dilated cardiomyopathy (PMID: 29540472; internal data). ClinVar contains an entry for this variant (Variation ID: 202379). This variant is located in the A band of TTN (PMID: 25589632). Truncating variants in this region are significantly overrepresented in patients affected with dilated cardiomyopathy (PMID: 25589632). Truncating variants in this region have also been reported in individuals affected with autosomal recessive centronuclear myopathy (PMID: 23975875). For these reasons, this variant has been classified as Pathogenic.

GeneDx
Classification: Pathogenic. Last evaluated: 2025-11-18. Review status: criteria provided, single submitter. Criteria: GeneDx Variant Classification Process June 2021. Collection method: clinical testing. Allele origin: germline. Affected: yes.
Comment: Nonsense variant predicted to result in protein truncation or nonsense mediated decay in a gene for which loss of function is a known mechanism of disease; Not observed at significant frequency in large population cohorts (gnomAD); This variant is associated with the following publications: (PMID: Komissarova2022[casereport], 34008412, 32880476, 31931689, 29540472, 36264615, 22335739, 32778822, 31216868)

3billion
Classification: Pathogenic for Dilated cardiomyopathy 1G. Last evaluated: 2025-03-07. Review status: criteria provided, single submitter. Criteria: ACMG Guidelines, 2015. Collection method: clinical testing. Allele origin: germline. Affected: yes.
Comment: The variant is observed at an extremely low frequency in the gnomAD v4.1.0 dataset (total allele frequency: <0.001%). Predicted Consequence/Location: Stop-gained (nonsense): predicted to result in a loss or disruption of normal protein function through nonsense-mediated decay (NMD) or protein truncation. Multiple pathogenic variants are reported downstream of the variant. The variant has been reported at least twice as pathogenic without evidence for the classification (ClinVar ID: VCV000202379 /3billion dataset). Therefore, this variant is classified as Pathogenic according to the recommendation of ACMG/AMP guideline.

Laboratory of Genetics, Children's Clinical University Hospital Latvia
Classification: Pathogenic. Last evaluated: 2025-02-16. Review status: criteria provided, single submitter. Criteria: ACMG Guidelines, 2015. Collection method: clinical testing. Allele origin: germline. Affected: yes.

Blueprint Genetics
Classification: Likely pathogenic for TTN-related disorders. Last evaluated: 2024-07-03. Review status: criteria provided, single submitter. Criteria: ACMG Guidelines, 2015. Collection method: clinical testing. Allele origin: germline. Affected: yes. Observed: 2 variant alleles.

Victorian Clinical Genetics Services, Murdoch Childrens Research Institute
Classification: Pathogenic for Dilated cardiomyopathy 1G. Last evaluated: 2022-09-02. Review status: criteria provided, single submitter. Criteria: ACMG Guidelines, 2015. Collection method: clinical testing. Allele origin: germline. Inheritance: Autosomal dominant inheritance. Affected: yes.
Comment: Based on the classification scheme VCGS_Germline_v1.3.4, this variant is classified as Pathogenic. Following criteria are met: 0102 - Loss of function is known mechanism of disease in this gene. In addition, dominant-negative is also a suggested mechanism (PMID: 25589632). (I) 0108 - This gene is associated with both recessive and dominant disease (OMIM). (I) 0112 - The condition associated with this gene has incomplete penetrance. Protein truncating variants in this gene are known to have reduced penetrance in DCM (PMID: 25589632). (I) 0201 - Variant is predicted to cause nonsense-mediated decay (NMD) and loss of protein (premature termination codon is located at least 54 nucleotides upstream of the final exon-exon junction). (SP) 0251 - This variant is heterozygous. (I) 0304 - Variant is present in gnomAD (v2) <0.01 (1 heterozygote, 0 homozygotes). (SP) 0600 - Variant is located in the annotated C-terminal A-band and the exon has a PSI score of 100 (PMID: 25589632). (I) 0703 - Other NMD-predicted variants comparable to the one identified in this case have moderate previous evidence for pathogenicity (DECIPHER). (SP) 0801 - This variant has strong previous evidence of pathogenicity in unrelated individuals. This variant has previously been classified as likely pathogenic, pathogenic or VUS by clinical diagnostic laboratories, and has been identified in at least seven individuals with DCM and five with other cardiac conditions (VCGS; Invitae personal communication; GeneDx personal communication; PMIDs: 29540472, 31216868, 34008412, 31931689). (I) 0905 - No published segregation evidence has been identified for this variant. (I) 1007 - No published functional evidence has been identified for this variant. (I) Legend: (SP) - Supporting pathogenic, (I) - Information, (SB) - Supporting benign

Laboratory for Molecular Medicine, Mass General Brigham Personalized Medicine
Classification: Likely pathogenic for Primary dilated cardiomyopathy. Last evaluated: 2019-02-22. Review status: criteria provided, single submitter. Criteria: ACMG Guidelines, 2015. Collection method: clinical testing. Allele origin: germline.
Comment: The p.Arg14198X variant in TTN has been reported in 1 individual with DCM (Hazebroek 2018) and has been identified in 1/111844 of European chromosomes by gnomAD. It has been reported in ClinVar (Variation ID #202379). This nonsense variant leads to a premature termination codon at position 14198, which is predicted to lead to a truncated or absent protein. Nonsense and other truncating variants in TTN are strongly associated with DCM if they impact the exons encoding for the A-band (Herman 2012, Pugh 2014) and/or are located in an exon that is highly expressed in the heart (Roberts 2015). The p.Arg14198X variant is located in the A-band. In addition, TTN variants have also been associated with myopathies and other neuromuscular conditions, which usually have autosomal recessive inheritance (Savarese 2016). In summary, although additional studies are required to fully establish its clinical significance, this variant meets criteria to be classified as likely pathogenic for TTN-associated diseases. ACMG/AMP Criteria applied: PVS1, PM2.

Literature cited by the submitters: PubMed 22335739 (cited by Ambry Genetics); PubMed 25589632 (cited by 3 submitters); PubMed 27869827 (cited by Ambry Genetics); PubMed 29540472 (cited by 4 submitters); PubMed 39844436 (cited by Ambry Genetics); PubMed 23975875 (cited by Labcorp Genetics (formerly Invitae), Labcorp); PubMed 31216868 (cited by Victorian Clinical Genetics Services, Murdoch Childrens Research Institute); PubMed 31931689 (cited by Victorian Clinical Genetics Services, Murdoch Childrens Research Institute); PubMed 34008412 (cited by Victorian Clinical Genetics Services, Murdoch Childrens Research Institute).